The following is an entry in ClinVar:

NM_006258.4(PRKG1):c.1076+19_1076+20insTGGCCTT

Gene: PRKG1 (protein kinase cGMP-dependent 1; plus strand). Cytogenetic location: 10q21.1.
Variant type: Insertion.
Coding change: c.1076+19_1076+20insTGGCCTT on transcript NM_006258.4 (MANE Select); bases 19 to 20 of the intron after coding-DNA position 1076, TGGCCTT inserted.
Molecular consequence: intron variant.
Genome position: GRCh38 VCF-style: chr10-52161978-T-TCCTTTGG. GRCh37 (hg19) VCF-style: chr10-53921738-T-TCCTTTGG.
Other names: c.1031+19_1031+20insTGGCCTT (NM_001098512.3); c.1076+19_1076+20insTGGCCTT (NM_006258.3).
Identifiers: ClinVar variation 680113 (VCV000680113.10), dbSNP rs146504019, ClinGen allele CA5503741.

ClinVar aggregate classification (germline): Conflicting classifications of pathogenicity. Review status: criteria provided, conflicting classifications (1 of 4 stars). 4 submissions from 4 submitters: Uncertain significance (1); Benign (3). Last evaluated 2026-02-02.

Conditions:
Aortic aneurysm, familial thoracic 8 (AAT8). Identifiers: MedGen C3809513, MONDO:0014187, OMIM 615436.
Familial thoracic aortic aneurysm and aortic dissection (TAAD). Also called: Thoracic aortic aneurysms and dissections. Identifiers: Orphanet 91387, MedGen C4707243, MONDO:0019625.

Submissions (4):

Labcorp Genetics (formerly Invitae), Labcorp
Classification: Benign for Aortic aneurysm, familial thoracic 8. Last evaluated: 2026-02-02. Review status: criteria provided, single submitter. Criteria: Invitae Variant Classification Sherloc (09022015). Collection method: clinical testing. Allele origin: germline.

Women's Health and Genetics/Laboratory Corporation of America, LabCorp
Classification: Benign. Last evaluated: 2023-07-21. Review status: criteria provided, single submitter. Criteria: LabCorp Variant Classification Summary - May 2015. Collection method: clinical testing. Allele origin: germline.

GeneDx
Classification: Benign. Last evaluated: 2018-06-14. Review status: criteria provided, single submitter. Criteria: GeneDx Variant Classification (06012015). Collection method: clinical testing. Allele origin: germline. Affected: yes.
Comment: This variant is considered likely benign or benign based on one or more of the following criteria: it is a conservative change, it occurs at a poorly conserved position in the protein, it is predicted to be benign by multiple in silico algorithms, and/or has population frequency not consistent with disease.

Ambry Genetics
Classification: Uncertain significance for Familial thoracic aortic aneurysm and aortic dissection. Last evaluated: 2016-10-23. Review status: criteria provided, single submitter. Criteria: Ambry Variant Classification Scheme 2023. Collection method: clinical testing. Allele origin: germline.
Comment: Based on insufficient or conflicting evidence, the clinical significance of this alteration remains unclear.